The following is an entry in ClinVar:

NM_017950.4(CCDC40):c.1562+1948C>T

Gene: CCDC40 (coiled-coil domain 40 molecular ruler complex subunit; plus strand). Cytogenetic location: 17q25.3.
Variant type: single nucleotide variant.
Coding change: c.1562+1948C>T on transcript NM_017950.4 (MANE Select); 1948 bases into the intron after coding-DNA position 1562, C replaced by T.
Molecular consequence: intron variant. On other transcripts: missense variant (1).
Genome position (GRCh38, 1-based): chr17:80,067,554, C>T. VCF-style: chr17-80067554-C-T. GRCh37 (hg19) VCF-style: chr17-78041353-C-T.
Other names: c.1612C>T, p.Arg538Cys (NM_001330508.2); c.1562+1948C>T (NM_001243342.2); short protein forms R538C.
Identifiers: ClinVar variation 3046926 (VCV003046926.2), dbSNP rs572933884, ClinGen allele CA8813935.

ClinVar aggregate classification (germline): Likely benign (0 of 4 stars; one submission).

Conditions:
CCDC40-related disorder. Also called: CCDC40-related condition.

Allele frequency attached by ClinVar (database versions not stated): TOPMed 0.00007; gnomAD 0.00017; gnomAD exomes 0.00026; 1000 Genomes Project 30x 0.00094; 1000 Genomes Project 0.00100; ExAC 0.00117.
gnomAD v4.1: 385 of 1,529,412 alleles (0.025%); highest among the groups gnomAD compares: South Asian, 0.39%; 2 homozygotes.

Submission:

PreventionGenetics, part of Exact Sciences
Classification: Likely benign for CCDC40-related condition. Last evaluated: 2019-02-28. Review status: no assertion criteria provided. Collection method: clinical testing. Allele origin: germline.
Comment: This variant is classified as likely benign based on ACMG/AMP sequence variant interpretation guidelines (Richards et al. 2015 PMID: 25741868, with internal and published modifications).